The following is an entry in ClinVar:

NM_172107.4(KCNQ2):c.475G>A (p.Gly159Arg)

Gene: KCNQ2 (potassium voltage-gated channel subfamily Q member 2; minus strand). Cytogenetic location: 20q13.33.
Variant type: single nucleotide variant.
Coding change: c.475G>A on transcript NM_172107.4 (MANE Select); coding-DNA position 475, G replaced by A.
Protein change: p.Gly159Arg; replaces glycine 159 with arginine.
Molecular consequence: missense variant.
Genome position (GRCh38, 1-based): chr20:63,445,277, C>T on the plus strand (G>A on the coding strand, the complement: KCNQ2 is on the minus strand). VCF-style: chr20-63445277-C-T. GRCh37 (hg19) VCF-style: chr20-62076630-C-T.
Other names: P.Gly159Arg; c.475G>A, p.Gly159Arg (NM_004518.6, NM_172106.3, NM_172108.5 and 1 more transcripts); short protein forms G159R.
Identifiers: ClinVar variation 369746 (VCV000369746.4), dbSNP rs1057516080, ClinGen allele CA10654831.

ClinVar aggregate classification (germline): Pathogenic. Review status: criteria provided, single submitter (1 of 4 stars). 2 submissions from 2 submitters: Pathogenic (1). 1 of the submissions does not count toward it. Last evaluated 2025-11-11.

Conditions:
Early-infantile DEE. Also called: Early infantile epileptic encephalopathy; Ohtahara syndrome; Early infantile epileptic encephalopathy with suppression bursts. Identifiers: Orphanet 1934, MedGen C0393706, MONDO:0800491.
Seizures, benign familial neonatal, 1. Also called: KCNQ2-Related Benign Familial Neonatal Epilepsy; Benign Neonatal Epilepsy 1; KCNQ2-Related Self-Limited Familial Neonatal Epilepsy (SLFNE); Seizures, benign neonatal, 1. Identifiers: Orphanet 1949, MedGen C3149074, MONDO:0007365, OMIM 121200.

Submissions (2):

Labcorp Genetics (formerly Invitae), Labcorp
Classification: Pathogenic for Early-infantile DEE. Last evaluated: 2025-11-11. Review status: criteria provided, single submitter. Criteria: Invitae Variant Classification Sherloc (09022015). Collection method: clinical testing. Allele origin: germline.
Comment: This sequence change replaces glycine, which is neutral and non-polar, with arginine, which is basic and polar, at codon 159 of the KCNQ2 protein (p.Gly159Arg). This variant is not present in population databases (gnomAD no frequency). This missense change has been observed in individuals with neonatal and/or infantile-onset seizures (PMID: 25982755; internal data). It has also been observed to segregate with disease in related individuals. ClinVar contains an entry for this variant (Variation ID: 369746). Invitae Evidence Modeling of protein sequence and biophysical properties (such as structural, functional, and spatial information, amino acid conservation, physicochemical variation, residue mobility, and thermodynamic stability) indicates that this missense variant is expected to disrupt KCNQ2 protein function with a positive predictive value of 95%. For these reasons, this variant has been classified as Pathogenic.

GeneReviews
No classification provided. Condition: Seizures, benign familial neonatal, 1. Review status: no classification provided. Collection method: literature only. Allele origin: germline. Affected: yes. Not counted in ClinVar's aggregate classification.
Comment: BFNE (benign familial neonatal epilepsy)

Literature cited by the submitters: PubMed 25982755 (cited by Labcorp Genetics (formerly Invitae), Labcorp and GeneReviews); NCBI Bookshelf NBK32534 (cited by GeneReviews).